The following is an entry in ClinVar:

ClinVar aggregate classification (germline): Uncertain significance (0 of 4 stars; one submission).

Conditions:
PLXNA2-related disorder. Also called: PLXNA2-related condition.

gnomAD v4.1: 1 of 1,614,172 alleles (0.000062%); highest among the groups gnomAD compares: Non-Finnish European, 0.000085%; no homozygotes.

Submission:

PreventionGenetics, part of Exact Sciences
Classification: Uncertain significance for PLXNA2-related condition. Last evaluated: 2024-02-21. Review status: no assertion criteria provided. Collection method: clinical testing. Allele origin: germline.
Comment: The PLXNA2 c.530G>T variant is predicted to result in the amino acid substitution p.Gly177Val. To our knowledge, this variant has not been reported in the literature or in a large population database, indicating this variant is rare. At this time, the clinical significance of this variant is uncertain due to the absence of conclusive functional and genetic evidence.

NM_025179.4(PLXNA2):c.530G>T (p.Gly177Val)

Gene: PLXNA2 (plexin A2; minus strand). Cytogenetic location: 1q32.2.
Variant type: single nucleotide variant.
Coding change: c.530G>T on transcript NM_025179.4 (MANE Select); coding-DNA position 530, G replaced by T.
Protein change: p.Gly177Val; replaces glycine 177 with valine.
Molecular consequence: missense variant.
Genome position (GRCh38, 1-based): chr1:208,217,393, C>A on the plus strand (G>T on the coding strand, the complement: PLXNA2 is on the minus strand). VCF-style: chr1-208217393-C-A. GRCh37 (hg19) VCF-style: chr1-208390738-C-A.
Other names: short protein forms G177V.
Identifiers: ClinVar variation 3349321 (VCV003349321.1).
Genomic context (GRCh38, chr1:208,217,393, plus strand): 5'-GTCGGGAAGTAATCCTGCTTCCCATCCACAGCCGTGCCGATGAAGAGCTTGCCATCCTCA[C>A]CCTCAGAGCGCACAATCACCCCGTACATGGTGCCCGTCTTGTTGACACTGGACAGGTAGT-3'
Protein context (NP_079455.3, residues 167-187): TMYGVIVRSE[Gly177Val]EDGKLFIGTA